The following is an entry in ClinVar:

ClinVar aggregate classification (germline): Uncertain significance (1 of 4 stars; one submission).

Conditions:
Ataxia-telangiectasia syndrome (AT). Also called: Cerebello-oculocutaneous telangiectasia; Immunodeficiency with ataxia telangiectasia; Ataxia telangiectasia (A-T); Ataxia-telangiectasia, complementation group E; LOUIS-BAR SYNDROME; Ataxia-telangiectasia. Identifiers: Orphanet 100, MedGen C0004135, MONDO:0008840, OMIM 208900.

gnomAD v4.1: 1 of 1,612,514 alleles (0.000062%); no homozygotes.

Submission:

Labcorp Genetics (formerly Invitae), Labcorp
Classification: Uncertain significance for Ataxia-telangiectasia syndrome. Last evaluated: 2019-04-04. Review status: criteria provided, single submitter. Criteria: Invitae Variant Classification Sherloc (09022015). Collection method: clinical testing. Allele origin: germline.
Comment: This sequence change replaces lysine with asparagine at codon 1398 of the ATM protein (p.Lys1398Asn). The lysine residue is moderately conserved and there is a moderate physicochemical difference between lysine and asparagine. This variant is not present in population databases (ExAC no frequency). This variant has not been reported in the literature in individuals with ATM-related disease. ClinVar contains an entry for this variant (Variation ID: 579039). Algorithms developed to predict the effect of missense changes on protein structure and function (SIFT, PolyPhen-2, Align-GVGD) all suggest that this variant is likely to be tolerated, but these predictions have not been confirmed by published functional studies and their clinical significance is uncertain. In summary, the available evidence is currently insufficient to determine the role of this variant in disease. Therefore, it has been classified as a Variant of Uncertain Significance.

NM_000051.4(ATM):c.4194A>T (p.Lys1398Asn)

Gene: ATM (ATM serine/threonine kinase; plus strand). Cytogenetic location: 11q22.3.
Variant type: single nucleotide variant.
Coding change: c.4194A>T on transcript NM_000051.4 (MANE Select); coding-DNA position 4194, A replaced by T.
Protein change: p.Lys1398Asn; replaces lysine 1398 with asparagine.
Molecular consequence: missense variant.
Genome position (GRCh38, 1-based): chr11:108,289,061, A>T. VCF-style: chr11-108289061-A-T. GRCh37 (hg19) VCF-style: chr11-108159788-A-T.
Other names: c.4194A>T, p.Lys1398Asn (NM_001351834.2); short protein forms K1398N.
Identifiers: ClinVar variation 579039 (VCV000579039.10), dbSNP rs1565455145, ClinGen allele CA382530319.